The following is an entry in ClinVar:

NM_152564.5(VPS13B):c.2864A>C (p.Asn955Thr)

Gene: VPS13B (vacuolar protein sorting 13 homolog B; plus strand). Cytogenetic location: 8q22.2.
Variant type: single nucleotide variant.
Coding change: c.2864A>C on transcript NM_152564.5 (MANE Select); coding-DNA position 2864, A replaced by C.
Protein change: p.Asn955Thr; replaces asparagine 955 with threonine.
Molecular consequence: missense variant.
Genome position (GRCh38, 1-based): chr8:99,384,247, A>C. VCF-style: chr8-99384247-A-C. GRCh37 (hg19) VCF-style: chr8-100396475-A-C.
Other names: c.2864A>C, p.Asn955Thr (NM_017890.5); short protein forms N955T.
Identifiers: ClinVar variation 4848747 (VCV004848747.1).

ClinVar aggregate classification (germline): Uncertain significance (1 of 4 stars; one submission).

Submission:

Women's Health and Genetics/Laboratory Corporation of America, LabCorp
Classification: Uncertain significance. Last evaluated: 2026-04-08. Review status: criteria provided, single submitter. Criteria: LabCorp Variant Classification Summary - May 2015. Collection method: clinical testing. Allele origin: germline.
Comment: Variant summary: VPS13B c.2864A>C (p.Asn955Thr) results in a non-conservative amino acid change in the encoded protein sequence. Algorithms developed to predict the effect of missense changes on protein structure and function are either unavailable or do not agree on the potential impact of this missense change. The variant was absent in 251120 control chromosomes. The available data on variant occurrences in the general population are insufficient to allow any conclusion about variant significance. To our knowledge, no occurrence of c.2864A>C in individuals affected with VPS13B-related conditions and no experimental evidence demonstrating its impact on protein function have been reported. No submitters have cited clinical-significance assessments for this variant to ClinVar. Based on the evidence outlined above, the variant was classified as uncertain significance.